The following is an entry in ClinVar:

ClinVar aggregate classification (germline): Uncertain significance. Review status: criteria provided, multiple submitters, no conflicts (2 of 4 stars). 2 submissions from 2 submitters: Uncertain significance (2). Last evaluated 2025-12-15.

Conditions:
RB1-related disorder. Also called: RB1-related condition.
Retinoblastoma (RB1). Also called: RETINOBLASTOMA, SOMATIC. Identifiers: Orphanet 790, MedGen C0035335, MeSH D012175, MONDO:0008380, OMIM 180200, HP:0009919. Disease mechanism: loss of function. Inheritance: Both sporadic and heritable forms are tested..

Allele frequency attached by ClinVar (database versions not stated): gnomAD exomes below 0.00001; gnomAD 0.00001.
gnomAD v4.1: 2 of 1,209,354 alleles (0.00017%); highest among the groups gnomAD compares: Admixed American, 0.0064%; no homozygotes.

Submissions (2):

Labcorp Genetics (formerly Invitae), Labcorp
Classification: Uncertain significance for Retinoblastoma. Last evaluated: 2025-12-15. Review status: criteria provided, single submitter. Criteria: Invitae Variant Classification Sherloc (09022015). Collection method: clinical testing. Allele origin: germline.
Comment: This variant occurs in a non-coding region of the RB1 gene. It does not change the encoded amino acid sequence of the RB1 protein. This variant is present in population databases (no rsID available, gnomAD 0.1%). This variant has not been reported in the literature in individuals affected with RB1-related conditions. ClinVar contains an entry for this variant (Variation ID: 2629143). In summary, the available evidence is currently insufficient to determine the role of this variant in disease. Therefore, it has been classified as a Variant of Uncertain Significance.

PreventionGenetics, part of Exact Sciences
Classification: Uncertain significance for RB1-related condition. Last evaluated: 2022-09-29. Review status: criteria provided, single submitter. Criteria: ACMG Guidelines, 2015. Collection method: clinical testing. Allele origin: germline.
Comment: The RB1 c.-153G>C variant is located in the 5' untranslated region. To our knowledge, this variant has not been reported in the literature. This variant is reported in 1 of ~31,000 alleles in gnomAD. At this time, the clinical significance of this variant is uncertain due to the absence of conclusive functional and genetic evidence.

NM_000321.3(RB1):c.-153G>C

Gene: RB1 (RB transcriptional corepressor 1; plus strand). Cytogenetic location: 13q14.2.
Variant type: single nucleotide variant.
Coding change: c.-153G>C on transcript NM_000321.3 (MANE Select); 153 bases upstream of the start codon, G replaced by C.
Molecular consequence: 5 prime UTR variant.
Genome position (GRCh38, 1-based): chr13:48,303,760, G>C. VCF-style: chr13-48303760-G-C. GRCh37 (hg19) VCF-style: chr13-48877896-G-C.
Other names: c.-153G>C (NM_001407165.1, NM_001407166.1, NM_001407167.1).
Identifiers: ClinVar variation 2629143 (VCV002629143.2), dbSNP rs886050266, ClinGen allele CA609859221.